The following is an entry in ClinVar:

ClinVar aggregate classification (germline): Pathogenic (1 of 4 stars; one submission).

Conditions:
Epidermolysis bullosa simplex 3, localized or generalized intermediate, with BP230 deficiency (EBS3). Also called: Epidermolysis bullosa simplex due to BP230 deficiency; Epidermolysis bullosa simplex, autosomal recessive 2. Identifiers: Orphanet 412181, MedGen C3809470, MONDO:0014180, OMIM 615425.
Hereditary sensory and autonomic neuropathy type 6. Also called: Neuropathy, hereditary sensory and autonomic, type VI; HSAN VI. Identifiers: Orphanet 314381, MedGen C3539003, MONDO:0013839, OMIM 614653.

Submission:

Labcorp Genetics (formerly Invitae), Labcorp
Classification: Pathogenic for Epidermolysis bullosa simplex 3, localized or generalized intermediate, with BP230 deficiency; Hereditary sensory and autonomic neuropathy type 6. Last evaluated: 2024-04-15. Review status: criteria provided, single submitter. Criteria: Invitae Variant Classification Sherloc (09022015). Collection method: clinical testing. Allele origin: germline.
Comment: This sequence change creates a premature translational stop signal (p.Cys1330*) in the DST gene. It is expected to result in an absent or disrupted protein product. Loss-of-function variants in DST are known to be pathogenic (PMID: 22522446, 25059916, 30371979). This variant is present in population databases (rs773106732, gnomAD 0.003%). This variant has not been reported in the literature in individuals affected with DST-related conditions. For these reasons, this variant has been classified as Pathogenic.

Literature cited by the submitters: PubMed 22522446; PubMed 25059916; PubMed 30371979.

NM_001723.7(DST):c.3990del (p.Thr1329_Cys1330insTer)

Gene: DST (dystonin; minus strand). Cytogenetic location: 6p12.1.
Variant type: Deletion.
Coding change: c.3990del on transcript NM_001723.7 (MANE Plus Clinical); coding-DNA position 3990, one base deleted (T; older notation c.3990delT).
Protein change: p.Thr1329_Cys1330insTer.
Molecular consequence: nonsense. On other transcripts: intron variant (10).
Genome position (GRCh38, 1-based): chr6:56,620,044, A deleted on the plus strand (T on the coding strand, the reverse complement: DST is on the minus strand). VCF-style (leftmost placement, unchanged base first): chr6-56620043-TA-T. GRCh37 (hg19) VCF-style: chr6-56484841-TA-T.
Other names: c.4830+4486del (NM_001144769.5); c.4929+4486del (NM_001374722.1, NM_001374736.1); c.4956+4486del (NM_001374734.1); c.4416+4486del (NM_001144770.2); c.4296+4486del (NM_001374730.1, NM_001386100.1, NM_183380.4 and 1 more transcripts); c.3318+4486del (NM_015548.5).
Identifiers: ClinVar variation 3761625 (VCV003761625.2).
Genomic context (GRCh38, chr6:56,620,043, plus strand): 5'-CCGTTACTGCCCTGCATGATGTAGCCTGTGTGATCGGACACACTGGCAATGCATTTTCTC[TA>T]CATGTATACTGAATTTCAGTTATTTTTCTTCTTGCTTCCAATTCAATTTTCTGCTTTTCT-3'